The following is an entry in ClinVar:

ClinVar aggregate classification (germline): Uncertain significance (1 of 4 stars; one submission).

Conditions:
Hereditary spastic paraplegia 42. Also called: SPASTIC PARAPLEGIA 42, AUTOSOMAL DOMINANT. Identifiers: Orphanet 171863, MedGen C2675528, MONDO:0012928, OMIM 612539.

Submission:

Baylor Genetics
Classification: Uncertain significance for Hereditary spastic paraplegia 42. Last evaluated: 2020-02-21. Review status: criteria provided, single submitter. Criteria: ACMG Guidelines, 2015. Collection method: clinical testing. Allele origin: unknown. Affected: yes.
Comment: This variant was determined to be of uncertain significance according to ACMG Guidelines, 2015 [PMID:25741868].

NM_004733.4(SLC33A1):c.353C>G (p.Pro118Arg)

Gene: SLC33A1 (solute carrier family 33 member 1; minus strand). Cytogenetic location: 3q25.31.
Variant type: single nucleotide variant.
Coding change: c.353C>G on transcript NM_004733.4 (MANE Select); coding-DNA position 353, C replaced by G.
Protein change: p.Pro118Arg; replaces proline 118 with arginine.
Molecular consequence: missense variant.
Genome position (GRCh38, 1-based): chr3:155,853,645, G>C on the plus strand (C>G on the coding strand, the complement: SLC33A1 is on the minus strand). VCF-style: chr3-155853645-G-C. GRCh37 (hg19) VCF-style: chr3-155571434-G-C.
Other names: c.353C>G, p.Pro118Arg (NM_001190992.2, NM_001363883.1); short protein forms P118R.
Identifiers: ClinVar variation 1029889 (VCV001029889.1), dbSNP rs1753504839, ClinGen allele CA355143803.